The following is an entry in ClinVar:

NM_001385079.1(PDE10A):c.2278G>A (p.Val760Ile)

Gene: PDE10A (phosphodiesterase 10A; minus strand). Cytogenetic location: 6q27.
Variant type: single nucleotide variant.
Coding change: c.2278G>A on transcript NM_001385079.1 (MANE Select); coding-DNA position 2278, G replaced by A.
Protein change: p.Val760Ile; replaces valine 760 with isoleucine.
Molecular consequence: missense variant.
Genome position (GRCh38, 1-based): chr6:165,395,206, C>T on the plus strand (G>A on the coding strand, the complement: PDE10A is on the minus strand). VCF-style: chr6-165395206-C-T. GRCh37 (hg19) VCF-style: chr6-165808695-C-T.
Other names: p.Val494Ile; c.1480G>A, p.Val494Ile (NM_001130690.3); c.1450G>A, p.Val484Ile (NM_006661.4); c.1480G>A (NM_001130690.2); short protein forms V760I, V494I, V484I.
Identifiers: ClinVar variation 2063443 (VCV002063443.6), dbSNP rs140135628, ClinGen allele CA4092156.

ClinVar aggregate classification (germline): Conflicting classifications of pathogenicity. Review status: criteria provided, conflicting classifications (1 of 4 stars). 3 submissions from 3 submitters: Uncertain significance (2); Likely benign (1). Last evaluated 2024-12-26.

Conditions:
Inborn genetic diseases. Identifiers: MedGen C0950123, MeSH D030342.

Allele frequency attached by ClinVar (database versions not stated): ExAC 0.00013; gnomAD 0.00021; 1000 Genomes Project 30x 0.00031; gnomAD exomes 0.00058; TOPMed 0.00019; 1000 Genomes Project 0.00020; ESP Exome Variant Server 0.00038.
gnomAD v4.1: 853 of 1,613,152 alleles (0.053%); highest among the groups gnomAD compares: Non-Finnish European, 0.07%; no homozygotes.

Submissions (3):

Mayo Clinic Laboratories, Mayo Clinic
Classification: Uncertain significance. Last evaluated: 2024-12-26. Review status: criteria provided, single submitter. Criteria: ACMG Guidelines, 2015. Collection method: clinical testing. Allele origin: germline. Observed: 1 variant allele.
Comment: BP4

Labcorp Genetics (formerly Invitae), Labcorp
Classification: Uncertain significance. Last evaluated: 2022-01-16. Review status: criteria provided, single submitter. Criteria: Invitae Variant Classification Sherloc (09022015). Collection method: clinical testing. Allele origin: germline.
Comment: In summary, the available evidence is currently insufficient to determine the role of this variant in disease. Therefore, it has been classified as a Variant of Uncertain Significance. Algorithms developed to predict the effect of missense changes on protein structure and function output the following: SIFT: "Tolerated"; PolyPhen-2: "Benign"; Align-GVGD: "Class C0". The isoleucine amino acid residue is found in multiple mammalian species, which suggests that this missense change does not adversely affect protein function. This variant has not been reported in the literature in individuals affected with PDE10A-related conditions. This variant is present in population databases (rs140135628, gnomAD 0.03%). This sequence change replaces valine, which is neutral and non-polar, with isoleucine, which is neutral and non-polar, at codon 494 of the PDE10A protein (p.Val494Ile).

Ambry Genetics
Classification: Likely benign for Inborn genetic diseases. Last evaluated: 2021-10-22. Review status: criteria provided, single submitter. Criteria: Ambry Variant Classification Scheme 2023. Collection method: clinical testing. Allele origin: germline.